The following is an entry in ClinVar:

NM_001353345.2(SETD1B):c.1004C>T (p.Ala335Val)

Gene: SETD1B (SET domain containing 1B, histone lysine methyltransferase; plus strand). Cytogenetic location: 12q24.31.
Variant type: single nucleotide variant.
Coding change: c.1004C>T on transcript NM_001353345.2 (MANE Select); coding-DNA position 1004, C replaced by T.
Protein change: p.Ala335Val; replaces alanine 335 with valine.
Molecular consequence: missense variant.
Genome position (GRCh38, 1-based): chr12:121,809,949, C>T. VCF-style: chr12-121809949-C-T. GRCh37 (hg19) VCF-style: chr12-122247855-C-T.
Other names: NM_015048.1:c.1004C>T; short protein forms A335V.
Identifiers: ClinVar variation 2435847 (VCV002435847.29), dbSNP rs866262581, ClinGen allele CA244636002.

ClinVar aggregate classification (germline): Conflicting classifications of pathogenicity. Review status: criteria provided, conflicting classifications (1 of 4 stars). 3 submissions from 3 submitters: Uncertain significance (2); Likely benign (1). Last evaluated 2024-07-25.

Conditions:
Intellectual developmental disorder with seizures and language delay (IDDSELD). Identifiers: MedGen C5436574, MONDO:0033559, OMIM 619000.
Inborn genetic diseases. Identifiers: MedGen C0950123, MeSH D030342.

Allele frequency attached by ClinVar (database versions not stated): gnomAD exomes 0.00002; gnomAD 0.00003; TOPMed 0.00005.
gnomAD v4.1: 31 of 1,550,986 alleles (0.002%); highest among the groups gnomAD compares: Middle Eastern, 0.13%; no homozygotes.

Submissions (3):

Ambry Genetics
Classification: Uncertain significance for Inborn genetic diseases. Last evaluated: 2024-07-25. Review status: criteria provided, single submitter. Criteria: Ambry Variant Classification Scheme 2023. Collection method: clinical testing. Allele origin: germline.

CeGaT Center for Human Genetics Tuebingen
Classification: Likely benign. Last evaluated: 2023-07-01. Review status: criteria provided, single submitter. Criteria: CeGaT Center For Human Genetics Tuebingen Variant Classification Criteria Version 2. Collection method: clinical testing. Allele origin: germline. Affected: yes. Observed: 1 variant allele.
Comment: SETD1B: PP2, BS2

Revvity Omics, Revvity
Classification: Uncertain significance for Intellectual developmental disorder with seizures and language delay. Last evaluated: 2021-10-30. Review status: criteria provided, single submitter. Criteria: ACMG Guidelines, 2015. Collection method: clinical testing. Allele origin: germline.